The following is an entry in ClinVar:

ClinVar aggregate classification (germline): Conflicting classifications of pathogenicity. Review status: criteria provided, conflicting classifications (1 of 4 stars). 3 submissions from 3 submitters: Uncertain significance (2); Likely benign (1). Last evaluated 2026-05-26.

Conditions:
Hereditary breast ovarian cancer syndrome. Also called: Hereditary breast and ovarian cancer; Breast and ovarian cancer; Hereditary breast and/or ovarian cancer syndrome; Hereditary breast and ovarian cancer syndrome; Hereditary breast and ovarian cancer syndrome (HBOC); BRCA1- and BRCA2-Associated Hereditary Breast and Ovarian Cancer. Identifiers: Orphanet 145, MedGen C0677776, MeSH D061325, MONDO:0003582. Disease mechanism: loss of function.
Hereditary cancer-predisposing syndrome. Also called: Tumor predisposition; Neoplastic Syndromes, Hereditary; Hereditary Cancer Syndrome; Hereditary neoplastic syndrome. Identifiers: Orphanet 140162, MedGen C0027672, MeSH D009386, MONDO:0015356.

Submissions (3):

Ambry Genetics
Classification: Uncertain significance for Hereditary cancer-predisposing syndrome. Last evaluated: 2026-05-26. Review status: criteria provided, single submitter. Criteria: Ambry Variant Classification Scheme 2023. Collection method: clinical testing. Allele origin: germline.
Comment: The p.S1917P variant (also known as c.5749T>C), located in coding exon 10 of the BRCA2 gene, results from a T to C substitution at nucleotide position 5749. The serine at codon 1917 is replaced by proline, an amino acid with similar properties. This amino acid position is not well conserved in available vertebrate species. In addition, the in silico prediction for this alteration is inconclusive. Based on the available evidence, the clinical significance of this variant remains unclear.

University of Washington Department of Laboratory Medicine, University of Washington
Classification: Likely benign for Hereditary cancer-predisposing syndrome. Last evaluated: 2023-03-23. Review status: criteria provided, single submitter. Criteria: Dines et al. (Genet Med. 2020). Collection method: curation. Allele origin: germline.
Comment: Missense variant in a coldspot region where missense variants are very unlikely to be pathogenic (PMID:31911673).

BRCA2 exon 11 coldspot. Reclassification based on statistical prior probability.

Labcorp Genetics (formerly Invitae), Labcorp
Classification: Uncertain significance for Hereditary breast ovarian cancer syndrome. Last evaluated: 2021-08-14. Review status: criteria provided, single submitter. Criteria: Invitae Variant Classification Sherloc (09022015). Collection method: clinical testing. Allele origin: germline.
Comment: This sequence change replaces serine with proline at codon 1917 of the BRCA2 protein (p.Ser1917Pro). The serine residue is weakly conserved and there is a moderate physicochemical difference between serine and proline. This variant is not present in population databases (ExAC no frequency). This variant has not been reported in the literature in individuals affected with BRCA2-related conditions. Advanced modeling of protein sequence and biophysical properties (such as structural, functional, and spatial information, amino acid conservation, physicochemical variation, residue mobility, and thermodynamic stability) performed at Invitae indicates that this missense variant is not expected to disrupt BRCA2 protein function. In summary, the available evidence is currently insufficient to determine the role of this variant in disease. Therefore, it has been classified as a Variant of Uncertain Significance.

NM_000059.4(BRCA2):c.5749T>C (p.Ser1917Pro)

Gene: BRCA2 (BRCA2 DNA repair associated; plus strand). Cytogenetic location: 13q13.1.
Variant type: single nucleotide variant.
Coding change: c.5749T>C on transcript NM_000059.4 (MANE Select); coding-DNA position 5749, T replaced by C.
Protein change: p.Ser1917Pro; replaces serine 1917 with proline.
Molecular consequence: missense variant.
Genome position (GRCh38, 1-based): chr13:32,340,104, T>C. VCF-style: chr13-32340104-T-C. GRCh37 (hg19) VCF-style: chr13-32914241-T-C.
Other names: c.5749T>C (NM_000059.3); short protein forms S1917P.
Identifiers: ClinVar variation 1477358 (VCV001477358.7), dbSNP rs2137520531, ClinGen allele CA387787005.
Genomic context (GRCh38, chr13:32,340,104, plus strand): 5'-TTGGATGATTCAGAGGATATTCTTCATAACTCTCTAGATAATGATGAATGTAGCACGCAT[T>C]CACATAAGGTTTTTGCTGACATTCAGAGTGAAGAAATTTTACAACATAACCAAAATATGT-3'
Protein context (NP_000050.3, residues 1907-1927): SLDNDECSTH[Ser1917Pro]HKVFADIQSE